The following is an entry in ClinVar:

NM_000466.3(PEX1):c.2879T>C (p.Val960Ala)

Genes: GATAD1 (GATA zinc finger domain containing 1; plus strand), PEX1 (peroxisomal biogenesis factor 1; minus strand). Cytogenetic location: 7q21.2.
Variant type: single nucleotide variant.
Coding change: c.2879T>C on transcript NM_000466.3 (MANE Select); coding-DNA position 2879, T replaced by C.
Protein change: p.Val960Ala; replaces valine 960 with alanine.
Molecular consequence: missense variant.
Genome position (GRCh38, 1-based): chr7:92,494,534, A>G on the plus strand (T>C on the coding strand, the complement: PEX1 is on the minus strand). VCF-style: chr7-92494534-A-G. GRCh37 (hg19) VCF-style: chr7-92123848-A-G.
Other names: c.2708T>C, p.Val903Ala (NM_001282677.2); c.2255T>C, p.Val752Ala (NM_001282678.2); short protein forms V752A, V903A, V960A.
Identifiers: ClinVar variation 2074771 (VCV002074771.1), dbSNP rs144649949, ClinGen allele CA4340984.

ClinVar aggregate classification (germline): Uncertain significance (1 of 4 stars; one submission).

Conditions:
Zellweger spectrum disorders (ZS). Also called: Zellweger Spectrum Disorder; Zellweger Spectrum; Zellweger Spectrum Disorder (ZSD); Zellweger syndrome. Identifiers: Orphanet 912, MedGen C0043459, MONDO:0019609.

Allele frequency attached by ClinVar (database versions not stated): ExAC 0.00001; gnomAD exomes 0.00002; gnomAD 0.00003; TOPMed 0.00003; ESP Exome Variant Server 0.00015.
gnomAD v4.1: 35 of 1,613,742 alleles (0.0022%); highest among the groups gnomAD compares: Non-Finnish European, 0.003%; no homozygotes.

Submission:

Labcorp Genetics (formerly Invitae), Labcorp
Classification: Uncertain significance for Zellweger spectrum disorders. Last evaluated: 2022-05-27. Review status: criteria provided, single submitter. Criteria: Invitae Variant Classification Sherloc (09022015). Collection method: clinical testing. Allele origin: germline.
Comment: This sequence change replaces valine, which is neutral and non-polar, with alanine, which is neutral and non-polar, at codon 960 of the PEX1 protein (p.Val960Ala). This variant is present in population databases (rs144649949, gnomAD 0.002%). This variant has not been reported in the literature in individuals affected with PEX1-related conditions. Advanced modeling of protein sequence and biophysical properties (such as structural, functional, and spatial information, amino acid conservation, physicochemical variation, residue mobility, and thermodynamic stability) performed at Invitae indicates that this missense variant is expected to disrupt PEX1 protein function. In summary, the available evidence is currently insufficient to determine the role of this variant in disease. Therefore, it has been classified as a Variant of Uncertain Significance.